The following is an entry in ClinVar:

ClinVar aggregate classification (germline): Uncertain significance. Review status: criteria provided, multiple submitters, no conflicts (2 of 4 stars). 2 submissions from 2 submitters: Uncertain significance (2). Last evaluated 2022-02-09.

Conditions:
Neurofibromatosis, type 1 (NF1). Also called: NEUROFIBROMATOSIS, TYPE I, SOMATIC; Neurofibromatosis, type I; Peripheral type neurofibromatosis; VON RECKLINGHAUSEN DISEASE. Identifiers: Orphanet 636, MedGen C0027831, MONDO:0018975, OMIM 162200. Disease mechanism: loss of function.
Hereditary cancer-predisposing syndrome. Also called: Tumor predisposition; Neoplastic Syndromes, Hereditary; Hereditary neoplastic syndrome; Hereditary Cancer Syndrome. Identifiers: Orphanet 140162, MedGen C0027672, MeSH D009386, MONDO:0015356.
Cardiovascular phenotype. Identifiers: MedGen CN230736.

Submissions (2):

Labcorp Genetics (formerly Invitae), Labcorp
Classification: Uncertain significance for Neurofibromatosis, type 1. Last evaluated: 2022-02-09. Review status: criteria provided, single submitter. Criteria: Invitae Variant Classification Sherloc (09022015). Collection method: clinical testing. Allele origin: germline.
Comment: This variant is not present in population databases (gnomAD no frequency). This sequence change replaces glutamine, which is neutral and polar, with leucine, which is neutral and non-polar, at codon 1754 of the NF1 protein (p.Gln1754Leu). This variant has not been reported in the literature in individuals affected with NF1-related conditions. Algorithms developed to predict the effect of missense changes on protein structure and function are either unavailable or do not agree on the potential impact of this missense change (SIFT: "Tolerated"; PolyPhen-2: "Possibly Damaging"; Align-GVGD: "Class C0"). In summary, the available evidence is currently insufficient to determine the role of this variant in disease. Therefore, it has been classified as a Variant of Uncertain Significance.

Ambry Genetics
Classification: Uncertain significance for Cardiovascular phenotype; Hereditary cancer-predisposing syndrome. Last evaluated: 2021-10-29. Review status: criteria provided, single submitter. Criteria: Ambry Variant Classification Scheme 2023. Collection method: clinical testing. Allele origin: germline.

NM_001042492.3(NF1):c.5324A>T (p.Gln1775Leu)

Gene: NF1 (neurofibromin 1; plus strand). Cytogenetic location: 17q11.2.
Variant type: single nucleotide variant.
Coding change: c.5324A>T on transcript NM_001042492.3 (MANE Select); coding-DNA position 5324, A replaced by T.
Protein change: p.Gln1775Leu; replaces glutamine 1775 with leucine.
Molecular consequence: missense variant.
Genome position (GRCh38, 1-based): chr17:31,327,554, A>T. VCF-style: chr17-31327554-A-T. GRCh37 (hg19) VCF-style: chr17-29654572-A-T.
Other names: c.5261A>T, p.Gln1754Leu (NM_000267.4); short protein forms Q1775L, Q1754L.
Identifiers: ClinVar variation 2095789 (VCV002095789.5), dbSNP rs2151540976, ClinGen allele CA399009143.